The following is an entry in ClinVar:

NM_012210.4(TRIM32):c.11C>T (p.Ala4Val)

Genes: ASTN2 (astrotactin 2; minus strand), TRIM32 (tripartite motif containing 32; plus strand). Cytogenetic location: 9q33.1.
Variant type: single nucleotide variant.
Coding change: c.11C>T on transcript NM_012210.4 (MANE Select); coding-DNA position 11, C replaced by T.
Protein change: p.Ala4Val; replaces alanine 4 with valine.
Molecular consequence: missense variant. On other transcripts: intron variant (3).
Genome position (GRCh38, 1-based): chr9:116,697,753, C>T. VCF-style: chr9-116697753-C-T. GRCh37 (hg19) VCF-style: chr9-119460032-C-T.
Other names: c.2794+28018G>A (NM_001365069.1); c.2806+28018G>A (NM_001365068.1); c.11C>T, p.Ala4Val (NM_001099679.2, NM_001379048.1, NM_001379049.1 and 1 more transcripts); c.2653+28018G>A (NM_014010.5); short protein forms A4V.
Identifiers: ClinVar variation 2150451 (VCV002150451.3), dbSNP rs1013969321, ClinGen allele CA198768816.

ClinVar aggregate classification (germline): Uncertain significance. Review status: criteria provided, multiple submitters, no conflicts (2 of 4 stars). 2 submissions from 2 submitters: Uncertain significance (2). Last evaluated 2025-05-27.

Conditions:
TRIM32-related disorder. Also called: TRIM32-related condition.
Bardet-Biedl syndrome (BBS). Identifiers: Orphanet 110, MedGen C0752166, MONDO:0015229.

Allele frequency attached by ClinVar (database versions not stated): gnomAD exomes below 0.00001.
gnomAD v4.1: 3 of 1,614,056 alleles (0.00019%); highest among the groups gnomAD compares: African/African-American, 0.0013%; no homozygotes.

Submissions (2):

PreventionGenetics, part of Exact Sciences
Classification: Uncertain significance for TRIM32-related condition. Last evaluated: 2025-05-27. Review status: criteria provided, single submitter. Criteria: ACMG Guidelines, 2015. Collection method: clinical testing. Allele origin: germline.
Comment: The TRIM32 c.11C>T variant is predicted to result in the amino acid substitution p.Ala4Val. To our knowledge, this variant has not been reported in the literature. This variant is reported in 0.0062% of alleles in individuals of African descent in gnomAD. At this time, the clinical significance of this variant is uncertain due to the absence of conclusive functional and genetic evidence.

Labcorp Genetics (formerly Invitae), Labcorp
Classification: Uncertain significance for Bardet-Biedl syndrome. Last evaluated: 2022-08-10. Review status: criteria provided, single submitter. Criteria: Invitae Variant Classification Sherloc (09022015). Collection method: clinical testing. Allele origin: germline.
Comment: In summary, the available evidence is currently insufficient to determine the role of this variant in disease. Therefore, it has been classified as a Variant of Uncertain Significance. Algorithms developed to predict the effect of missense changes on protein structure and function are either unavailable or do not agree on the potential impact of this missense change (SIFT: "Tolerated"; PolyPhen-2: "Possibly Damaging"; Align-GVGD: "Class C0"). This variant has not been reported in the literature in individuals affected with TRIM32-related conditions. This variant is present in population databases (no rsID available, gnomAD 0.007%). This sequence change replaces alanine, which is neutral and non-polar, with valine, which is neutral and non-polar, at codon 4 of the TRIM32 protein (p.Ala4Val).